The following is an entry in ClinVar:

NM_001040105.2(MUC17):c.7341A>G (p.Pro2447=)

Gene: MUC17 (mucin 17, cell surface associated; plus strand). Cytogenetic location: 7q22.1.
Variant type: single nucleotide variant.
Coding change: c.7341A>G on transcript NM_001040105.2 (MANE Select); coding-DNA position 7341, A replaced by G.
Protein change: p.Pro2447=; no amino-acid change (proline 2447 retained).
Molecular consequence: synonymous variant. On other transcripts: non-coding transcript variant (1).
Genome position (GRCh38, 1-based): chr7:101,038,757, A>G. VCF-style: chr7-101038757-A-G. GRCh37 (hg19) VCF-style: chr7-100682038-A-G.
Identifiers: ClinVar variation 2657844 (VCV002657844.24), dbSNP rs142442389, ClinGen allele CA4403058.

ClinVar aggregate classification (germline): Likely benign (1 of 4 stars; one submission).

Allele frequency attached by ClinVar (database versions not stated): 1000 Genomes Project 30x 0.00047; TOPMed 0.00238; gnomAD 0.00273; ExAC 0.00310; gnomAD exomes 0.00378; 1000 Genomes Project 0.00020; ESP Exome Variant Server 0.00500.
gnomAD v4.1: 5,836 of 1,613,292 alleles (0.36%); highest among the groups gnomAD compares: Non-Finnish European, 0.47%; 14 homozygotes.

Submission:

CeGaT Center for Human Genetics Tuebingen
Classification: Likely benign. Last evaluated: 2022-07-01. Review status: criteria provided, single submitter. Criteria: CeGaT Center For Human Genetics Tuebingen Variant Classification Criteria Version 2. Collection method: clinical testing. Allele origin: germline. Affected: yes. Observed: 1 variant allele.
Comment: MUC17: BP4, BP7